The following is an entry in ClinVar:

ClinVar aggregate classification (germline): Uncertain significance (1 of 4 stars; one submission).

Submission:

Labcorp Genetics (formerly Invitae), Labcorp
Classification: Uncertain significance. Last evaluated: 2022-05-21. Review status: criteria provided, single submitter. Criteria: Invitae Variant Classification Sherloc (09022015). Collection method: clinical testing. Allele origin: germline.
Comment: In summary, the available evidence is currently insufficient to determine the role of this variant in disease. Therefore, it has been classified as a Variant of Uncertain Significance. Algorithms developed to predict the effect of missense changes on protein structure and function are either unavailable or do not agree on the potential impact of this missense change (SIFT: "Deleterious"; PolyPhen-2: "Benign"; Align-GVGD: "Class C0"). This variant has not been reported in the literature in individuals affected with POLE-related conditions. This variant is not present in population databases (gnomAD no frequency). This sequence change replaces glutamic acid, which is acidic and polar, with glycine, which is neutral and non-polar, at codon 575 of the POLE protein (p.Glu575Gly).

NM_006231.4(POLE):c.1724A>G (p.Glu575Gly)

Gene: POLE (DNA polymerase epsilon, catalytic subunit; minus strand). Cytogenetic location: 12q24.33.
Variant type: single nucleotide variant.
Coding change: c.1724A>G on transcript NM_006231.4 (MANE Select); coding-DNA position 1724, A replaced by G.
Protein change: p.Glu575Gly; replaces glutamic acid 575 with glycine.
Molecular consequence: missense variant.
Genome position (GRCh38, 1-based): chr12:132,672,285, T>C on the plus strand (A>G on the coding strand, the complement: POLE is on the minus strand). VCF-style: chr12-132672285-T-C. GRCh37 (hg19) VCF-style: chr12-133248871-T-C.
Other names: short protein forms E575G.
Identifiers: ClinVar variation 1997492 (VCV001997492.4), dbSNP rs2135990852, ClinGen allele CA387356353.